The following is an entry in ClinVar:

ClinVar aggregate classification (germline): Uncertain significance (1 of 4 stars; one submission).

Allele frequency attached by ClinVar (database versions not stated): gnomAD 0.00001.
gnomAD v4.1: 1 of 1,611,396 alleles (0.000062%); highest among the groups gnomAD compares: East Asian, 0.0022%; no homozygotes.

Submission:

Labcorp Genetics (formerly Invitae), Labcorp
Classification: Uncertain significance. Last evaluated: 2025-04-01. Review status: criteria provided, single submitter. Criteria: Invitae Variant Classification Sherloc (09022015). Collection method: clinical testing. Allele origin: germline.
Comment: This sequence change replaces alanine, which is neutral and non-polar, with valine, which is neutral and non-polar, at codon 4 of the IFT57 protein (p.Ala4Val). This variant is not present in population databases (gnomAD no frequency). This variant has not been reported in the literature in individuals affected with IFT57-related conditions. ClinVar contains an entry for this variant (Variation ID: 2832801). An algorithm developed to predict the effect of missense changes on protein structure and function (PolyPhen-2) suggests that this variant is likely to be tolerated. In summary, the available evidence is currently insufficient to determine the role of this variant in disease. Therefore, it has been classified as a Variant of Uncertain Significance.

NM_018010.4(IFT57):c.11C>T (p.Ala4Val)

Gene: IFT57 (intraflagellar transport 57; minus strand). Cytogenetic location: 3q13.13.
Variant type: single nucleotide variant.
Coding change: c.11C>T on transcript NM_018010.4 (MANE Select); coding-DNA position 11, C replaced by T.
Protein change: p.Ala4Val; replaces alanine 4 with valine.
Molecular consequence: missense variant.
Genome position (GRCh38, 1-based): chr3:108,222,312, G>A on the plus strand (C>T on the coding strand, the complement: IFT57 is on the minus strand). VCF-style: chr3-108222312-G-A. GRCh37 (hg19) VCF-style: chr3-107941159-G-A.
Other names: short protein forms A4V.
Identifiers: ClinVar variation 2832801 (VCV002832801.3), dbSNP rs2107226026, ClinGen allele CA353912691.